The following is an entry in ClinVar:

NM_001130438.3(SPTAN1):c.6497G>A (p.Arg2166His)

Gene: SPTAN1 (spectrin alpha, non-erythrocytic 1; plus strand). Cytogenetic location: 9q34.11.
Variant type: single nucleotide variant.
Coding change: c.6497G>A on transcript NM_001130438.3 (MANE Select); coding-DNA position 6497, G replaced by A.
Protein change: p.Arg2166His; replaces arginine 2166 with histidine.
Molecular consequence: missense variant.
Genome position (GRCh38, 1-based): chr9:128,626,608, G>A. VCF-style: chr9-128626608-G-A. GRCh37 (hg19) VCF-style: chr9-131388887-G-A.
Other names: c.6422G>A, p.Arg2141His (NM_001195532.2); c.6497G>A, p.Arg2166His (NM_001363759.2, NM_001375310.1, NM_001375311.2 and 1 more transcripts); c.6437G>A, p.Arg2146His (NM_001363765.2, NM_001375314.2); c.6533G>A, p.Arg2178His (NM_001375312.2, NM_001375318.1); c.6482G>A, p.Arg2161His (NM_003127.4); short protein forms R2161H, R2166H, R2146H, R2178H, R2141H.
Identifiers: ClinVar variation 1370203 (VCV001370203.9), dbSNP rs200834733, ClinGen allele CA5265711.

ClinVar aggregate classification (germline): Uncertain significance (1 of 4 stars; one submission).

Conditions:
Early-infantile DEE. Also called: Early infantile epileptic encephalopathy with suppression bursts; Early infantile epileptic encephalopathy; Ohtahara syndrome. Identifiers: Orphanet 1934, MedGen C0393706, MONDO:0800491.

Allele frequency attached by ClinVar (database versions not stated): ExAC 0.00001; gnomAD exomes 0.00001 and 0.00002; gnomAD 0.00003.
gnomAD v4.1: 33 of 1,613,738 alleles (0.002%); highest among the groups gnomAD compares: Non-Finnish European, 0.0022%; no homozygotes.

Submission:

Labcorp Genetics (formerly Invitae), Labcorp
Classification: Uncertain significance for Early-infantile DEE. Last evaluated: 2024-08-05. Review status: criteria provided, single submitter. Criteria: Invitae Variant Classification Sherloc (09022015). Collection method: clinical testing. Allele origin: germline.
Comment: This sequence change replaces arginine, which is basic and polar, with histidine, which is basic and polar, at codon 2166 of the SPTAN1 protein (p.Arg2166His). This variant is present in population databases (rs200834733, gnomAD 0.003%). This missense change has been observed in individual(s) with clinical features of developmental and epileptic encephalopathy (Invitae). ClinVar contains an entry for this variant (Variation ID: 1370203). Advanced modeling of protein sequence and biophysical properties (such as structural, functional, and spatial information, amino acid conservation, physicochemical variation, residue mobility, and thermodynamic stability) has been performed at Invitae for this missense variant, however the output from this modeling did not meet the statistical confidence thresholds required to predict the impact of this variant on SPTAN1 protein function. In summary, the available evidence is currently insufficient to determine the role of this variant in disease. Therefore, it has been classified as a Variant of Uncertain Significance.